The following is an entry in ClinVar:

NM_001242957.3(MAK):c.50G>A (p.Ser17Asn)

Gene: MAK (male germ cell associated kinase; minus strand). Cytogenetic location: 6p24.2.
Variant type: single nucleotide variant.
Coding change: c.50G>A on transcript NM_001242957.3 (MANE Select); coding-DNA position 50, G replaced by A.
Protein change: p.Ser17Asn; replaces serine 17 with asparagine.
Molecular consequence: missense variant. On other transcripts: non-coding transcript variant (2), intron variant (1).
Genome position (GRCh38, 1-based): chr6:10,830,599, C>T on the plus strand (G>A on the coding strand, the complement: MAK is on the minus strand). VCF-style: chr6-10830599-C-T. GRCh37 (hg19) VCF-style: chr6-10830832-C-T.
Other names: c.50G>A, p.Ser17Asn (NM_001242385.2, NM_005906.6); c.-2+7904G>A (NM_001377262.1); c.50G>A (NM_005906.4); short protein forms S17N.
Identifiers: ClinVar variation 1003604 (VCV001003604.8), dbSNP rs777163256, ClinGen allele CA3633846.

ClinVar aggregate classification (germline): Uncertain significance. Review status: criteria provided, multiple submitters, no conflicts (2 of 4 stars). 2 submissions from 2 submitters: Uncertain significance (2). Last evaluated 2023-03-20.

Conditions:
Inborn genetic diseases. Identifiers: MedGen C0950123, MeSH D030342.

Allele frequency attached by ClinVar (database versions not stated): gnomAD exomes 0.00001; ExAC 0.00002; gnomAD 0.00005 and 0.00006; TOPMed 0.00005.
gnomAD v4.1: 18 of 1,614,072 alleles (0.0011%); highest among the groups gnomAD compares: African/African-American, 0.023%; no homozygotes.

Submissions (2):

Ambry Genetics
Classification: Uncertain significance for Inborn genetic diseases. Last evaluated: 2023-03-20. Review status: criteria provided, single submitter. Criteria: Ambry Variant Classification Scheme 2023. Collection method: clinical testing. Allele origin: germline.

Labcorp Genetics (formerly Invitae), Labcorp
Classification: Uncertain significance. Last evaluated: 2022-05-13. Review status: criteria provided, single submitter. Criteria: Invitae Variant Classification Sherloc (09022015). Collection method: clinical testing. Allele origin: germline.
Comment: This sequence change replaces serine, which is neutral and polar, with asparagine, which is neutral and polar, at codon 17 of the MAK protein (p.Ser17Asn). This variant is present in population databases (rs777163256, gnomAD 0.02%). This variant has not been reported in the literature in individuals affected with MAK-related conditions. ClinVar contains an entry for this variant (Variation ID: 1003604). Advanced modeling of protein sequence and biophysical properties (such as structural, functional, and spatial information, amino acid conservation, physicochemical variation, residue mobility, and thermodynamic stability) performed at Invitae indicates that this missense variant is not expected to disrupt MAK protein function. In summary, the available evidence is currently insufficient to determine the role of this variant in disease. Therefore, it has been classified as a Variant of Uncertain Significance.